The following is an entry in ClinVar:

NM_153676.4(USH1C):c.2334G>A (p.Lys778=)

Gene: USH1C (USH1 protein network component harmonin; minus strand). Cytogenetic location: 11p15.1.
Variant type: single nucleotide variant.
Coding change: c.2334G>A on transcript NM_153676.4 (MANE Select); coding-DNA position 2334, G replaced by A.
Protein change: p.Lys778=; no amino-acid change (lysine 778 retained).
Molecular consequence: synonymous variant. On other transcripts: non-coding transcript variant (1).
Genome position (GRCh38, 1-based): chr11:17,501,097, C>T on the plus strand (G>A on the coding strand, the complement: USH1C is on the minus strand). VCF-style: chr11-17501097-C-T. GRCh37 (hg19) VCF-style: chr11-17522644-C-T.
Other names: c.2334G>A (NM_153676.3); c.1377G>A, p.Lys459= (NM_001297764.2); c.1434G>A, p.Lys478= (NM_005709.4).
Identifiers: ClinVar variation 1146263 (VCV001146263.11), dbSNP rs1326150281, ClinGen allele CA473305299.
Genomic context (GRCh38, chr11:17,501,097, plus strand): 5'-TAGTCTCCACTCACCATGCCGCTCAGCAGCTCCCCGCTCATACACAGCAGAAACGACCAC[C>T]TTCCCAATGGGGGAGTCCACACCGCCTTCCAGGGCCAGGTCTAAGGATCCCTCCTGGTTA-3'
Protein context (NP_710142.1, residues 768-788): LEGGVDSPIG[Lys778=]VVVSAVYERG

ClinVar aggregate classification (germline): Likely benign. Review status: criteria provided, multiple submitters, no conflicts (2 of 4 stars). 2 submissions from 2 submitters: Likely benign (2). Last evaluated 2025-12-31.

Conditions:
USH1C-related disorder. Also called: USH1C-related condition.

gnomAD v4.1: 2 of 1,614,128 alleles (0.00012%); highest among the groups gnomAD compares: South Asian, 0.0022%; no homozygotes.

Submissions (2):

PreventionGenetics, part of Exact Sciences
Classification: Likely benign for USH1C-related condition. Last evaluated: 2025-12-31. Review status: criteria provided, single submitter. Criteria: ACMG Guidelines, 2015. Collection method: clinical testing. Allele origin: germline.
Comment: This variant is classified as likely benign based on ACMG/AMP sequence variant interpretation guidelines (Richards et al. 2015 PMID: 25741868, with internal and published modifications).

Labcorp Genetics (formerly Invitae), Labcorp
Classification: Likely benign. Last evaluated: 2024-04-24. Review status: criteria provided, single submitter. Criteria: Invitae Variant Classification Sherloc (09022015). Collection method: clinical testing. Allele origin: germline.